The following is an entry in ClinVar:

ClinVar aggregate classification (germline): Uncertain significance (1 of 4 stars; one submission).

Conditions:
Actin accumulation myopathy (CMYO2A). Also called: CONGENITAL MYOPATHY 2A, TYPICAL, AUTOSOMAL DOMINANT; Myopathy, actin, congenital, with cores; Nemaline myopathy 3, with intranuclear rods; Nemaline myopathy type 3; Myopathy, actin, congenital, with excess of thin myofilaments. Identifiers: Orphanet 98904, MedGen C3711389, MONDO:0008070, OMIM 161800.

Submission:

Labcorp Genetics (formerly Invitae), Labcorp
Classification: Uncertain significance for Actin accumulation myopathy. Last evaluated: 2021-12-26. Review status: criteria provided, single submitter. Criteria: Invitae Variant Classification Sherloc (09022015). Collection method: clinical testing. Allele origin: germline.
Comment: Advanced modeling of protein sequence and biophysical properties (such as structural, functional, and spatial information, amino acid conservation, physicochemical variation, residue mobility, and thermodynamic stability) performed at Invitae indicates that this missense variant is expected to disrupt ACTA1 protein function. ClinVar contains an entry for this variant (Variation ID: 945505). This variant has not been reported in the literature in individuals affected with ACTA1-related conditions. This variant is not present in population databases (gnomAD no frequency). This sequence change replaces threonine, which is neutral and polar, with isoleucine, which is neutral and non-polar, at codon 108 of the ACTA1 protein (p.Thr108Ile). In summary, the available evidence is currently insufficient to determine the role of this variant in disease. Therefore, it has been classified as a Variant of Uncertain Significance.

NM_001100.4(ACTA1):c.323C>T (p.Thr108Ile)

Gene: ACTA1 (actin alpha 1, skeletal muscle; minus strand). Cytogenetic location: 1q42.13.
Variant type: single nucleotide variant.
Coding change: c.323C>T on transcript NM_001100.4 (MANE Select); coding-DNA position 323, C replaced by T.
Protein change: p.Thr108Ile; replaces threonine 108 with isoleucine.
Molecular consequence: missense variant.
Genome position (GRCh38, 1-based): chr1:229,432,687, G>A on the plus strand (C>T on the coding strand, the complement: ACTA1 is on the minus strand). VCF-style: chr1-229432687-G-A. GRCh37 (hg19) VCF-style: chr1-229568434-G-A.
Other names: short protein forms T108I.
Identifiers: ClinVar variation 945505 (VCV000945505.10), dbSNP rs1659976518, ClinGen allele CA345149866.